The following is an entry in ClinVar:

ClinVar aggregate classification (germline): Pathogenic. Review status: criteria provided, multiple submitters, no conflicts (2 of 4 stars). 5 submissions from 5 submitters: Pathogenic (5). Last evaluated 2026-10-22.

Conditions:
Early-infantile DEE. Also called: Ohtahara syndrome; Early infantile epileptic encephalopathy; Early infantile epileptic encephalopathy with suppression bursts. Identifiers: Orphanet 1934, MedGen C0393706, MONDO:0800491.
Severe myoclonic epilepsy in infancy (DRVT). Also called: Dravet syndrome; Epileptic encephalopathy, early infantile, 6 (Dravet syndrome); SEVERE MYOCLONIC EPILEPSY OF INFANCY; DEVELOPMENTAL AND EPILEPTIC ENCEPHALOPATHY 6A; Severe Myoclonic Epilepsy in Infancy (SMEI). Identifiers: Orphanet 33069, MedGen C0751122, MONDO:0100135, OMIM 607208.

Submissions (5):

GeneDx
Classification: Pathogenic. Last evaluated: 2026-10-22. Review status: criteria provided, single submitter. Criteria: GeneDx Variant Classification Process June 2021. Collection method: clinical testing. Allele origin: germline.
Comment: Nonsense variant predicted to result in protein truncation, as the last 124 amino acid(s) are lost, and other loss-of-function variants have been reported downstream in HGMD; Not observed at significant frequency in large population cohorts (gnomAD); This variant is associated with the following publications: (PMID: 22409937, 17054684, 18930999, 17347258, 26096185, 35074891, 31440721, 34926809, 30368457, 32845893, 32090326, 39096151)

Athena Diagnostics
Classification: Pathogenic. Last evaluated: 2025-04-14. Review status: criteria provided, single submitter. Criteria: Athena Diagnostics Criteria. Collection method: clinical testing. Allele origin: unknown.
Comment: The frequency of this variant in the general population is consistent with pathogenicity. This variant is not expected to cause loss of protein expression through nonsense-mediated decay. However, it disrupts a critical region of the protein, and therefore, is expected to severely disrupt function. This variant has been identified in multiple unrelated individuals with Dravet syndrome, including individuals where it occurred de novo.

Labcorp Genetics (formerly Invitae), Labcorp
Classification: Pathogenic for Early-infantile DEE. Last evaluated: 2024-03-19. Review status: criteria provided, single submitter. Criteria: Invitae Variant Classification Sherloc (09022015). Collection method: clinical testing. Allele origin: germline.
Comment: This sequence change creates a premature translational stop signal (p.Arg1886*) in the SCN1A gene. While this is not anticipated to result in nonsense mediated decay, it is expected to disrupt the last 124 amino acid(s) of the SCN1A protein. This variant is not present in population databases (gnomAD no frequency). This premature translational stop signal has been observed in individual(s) with severe myoclonic epilepsy of infancy (SMEI) or Dravet syndrome (PMID: 17054684, 17347258, 18930999, 22409937). In at least one individual the variant was observed to be de novo. ClinVar contains an entry for this variant (Variation ID: 189912). For these reasons, this variant has been classified as Pathogenic.

Mayo Clinic Laboratories, Mayo Clinic
Classification: Pathogenic. Last evaluated: 2019-08-26. Review status: criteria provided, single submitter. Criteria: ACMG Guidelines, 2015. Collection method: clinical testing. Allele origin: germline. Observed: 1 variant allele.
Comment: PVS1, PS4_moderate, PM2, PM6

Center for Bioinformatics, Peking University
Classification: Pathogenic for Dravet syndrome. Last evaluated: 2014-12-20. Review status: criteria provided, single submitter. Criteria: Xu et al. (Hum Mutat. 2015). Collection method: research. Allele origin: de novo. Affected: yes. Observed: 2 variant alleles. Study: University Clinical Cooperation “985 Project” PKU-2014-1-1.
Comment: Dravet syndrome (DS) probands were recruited from the outpatient and inpatient child neurology units of Peking University First Hospital from 2005 till present. The study was approved by the Ethics Committee of Peking University First Hospital and the Institutional Review Board at Peking University. Participants or their parents provided written informed consent before enrollment. We collected a total of 267 mutations from 255 families with probands diagnosed with DS in China. All probands fulfilled the clinical diagnostic criteria.

Literature cited by the submitters: PubMed 17054684 (cited by 3 submitters); PubMed 17347258 (cited by Athena Diagnostics and Labcorp Genetics (formerly Invitae), Labcorp); PubMed 30368457 (cited by Athena Diagnostics and Mayo Clinic Laboratories, Mayo Clinic); PubMed 26096185 (cited by Athena Diagnostics); PubMed 22409937 (cited by 3 submitters); PubMed 34926809 (cited by Athena Diagnostics); PubMed 31440721 (cited by Athena Diagnostics); PubMed 24412860 (cited by Athena Diagnostics); PubMed 27465585 (cited by Athena Diagnostics); PubMed 18930999 (cited by Athena Diagnostics and Labcorp Genetics (formerly Invitae), Labcorp).

NM_001165963.4(SCN1A):c.5656C>T (p.Arg1886Ter)

Genes: SCN1A (sodium voltage-gated channel alpha subunit 1; minus strand), LOC102724058 (uncharacterized LOC102724058; plus strand). Cytogenetic location: 2q24.3.
Variant type: single nucleotide variant.
Coding change: c.5656C>T on transcript NM_001165963.4 (MANE Select); coding-DNA position 5656, C replaced by T.
Protein change: p.Arg1886Ter; replaces arginine 1886 with a stop codon.
Molecular consequence: nonsense. On other transcripts: non-coding transcript variant (1).
Genome position (GRCh38, 1-based): chr2:165,991,619, G>A on the plus strand (C>T on the coding strand, the complement: SCN1A is on the minus strand). VCF-style: chr2-165991619-G-A. GRCh37 (hg19) VCF-style: chr2-166848129-G-A.
Other names: p.R1886*:CGA>TGA; c.5572C>T, p.Arg1858Ter (NM_001165964.3, NM_001353957.2, NM_001353958.2); c.5656C>T, p.Arg1886Ter (NM_001202435.3, NM_001353948.2); c.5623C>T, p.Arg1875Ter (NM_001353949.2, NM_001353950.2, NM_001353951.2 and 2 more transcripts); c.5620C>T, p.Arg1874Ter (NM_001353954.2, NM_001353955.2); c.5569C>T, p.Arg1857Ter (NM_001353960.2); c.3214C>T, p.Arg1072Ter (NM_001353961.2); c.5656C>T (NM_001202435.1); short protein forms R1875*, R1886*, R1858*, R1072*, R1857*, R1874*.
Identifiers: ClinVar variation 189912 (VCV000189912.21), dbSNP rs779614747, ClinGen allele CA303286.
Genomic context (GRCh38, chr2:165,991,619, plus strand): 5'-TTGGCTGATAGGAGACCTTGGAAGGATTGGAAGCCATGAATCGCTCTTCCATCTGTATTC[G>A]TAGAGCATCCATCTCTCCACTCTCTCCTAGAACCCGCTTTGTAAAAGCAAATAAGATATC-3'